The following is an entry in ClinVar:

NM_000267.3(NF1):c.206_207delGA

Gene: NF1 (neurofibromin 1; plus strand). Cytogenetic location: 17q11.2.
Variant type: Microsatellite.
Coding change: c.206_207delGA on transcript NM_000267.3; coding-DNA positions 206 to 207, 2 bases deleted (GA).
Genome position (GRCh38, 1-based): chr17:31,159,011-31,159,012, GA deleted; deleting any 2 consecutive bases within chr17:31,159,008-31,159,012 gives the same sequence; the c. name uses the placement nearest the transcript's 3' end. VCF-style (leftmost placement, unchanged base first): chr17-31159007-TAG-T. GRCh37 (hg19) VCF-style: chr17-29486025-TAG-T.
Identifiers: ClinVar variation 404525 (VCV000404525.10), dbSNP rs1060500321, ClinGen allele CA16615130.
Genomic context (GRCh38, chr17:31,159,007, plus strand): 5'-TGTGTGTTGATTGGTAGCAGAAAGTGAAACTAACTTTTATGTTCTGAATATCTTTTCTGT[TAG>T]AGAATATTTGGAGAAGCTGCTGAAAAAAATTTATATCTCTCTCAGTTGATTATATTGGAT-3'

ClinVar aggregate classification (germline): Pathogenic. Review status: criteria provided, multiple submitters, no conflicts (2 of 4 stars). 4 submissions from 4 submitters: Pathogenic (4). Last evaluated 2025-12-10.

Conditions:
Hereditary cancer-predisposing syndrome. Also called: Neoplastic Syndromes, Hereditary; Hereditary Cancer Syndrome; Tumor predisposition; Hereditary neoplastic syndrome. Identifiers: Orphanet 140162, MedGen C0027672, MeSH D009386, MONDO:0015356.
Cardiovascular phenotype. Identifiers: MedGen CN230736.
Neurofibromatosis, type 1 (NF1). Also called: VON RECKLINGHAUSEN DISEASE; NEUROFIBROMATOSIS, TYPE I, SOMATIC; Peripheral type neurofibromatosis; Neurofibromatosis, type I. Identifiers: Orphanet 636, MedGen C0027831, MONDO:0018975, OMIM 162200. Disease mechanism: loss of function.

Submissions (4):

Labcorp Genetics (formerly Invitae), Labcorp
Classification: Pathogenic for Neurofibromatosis, type 1. Last evaluated: 2025-12-10. Review status: criteria provided, single submitter. Criteria: Invitae Variant Classification Sherloc (09022015). Collection method: clinical testing. Allele origin: germline.
Comment: This sequence change creates a premature translational stop signal (p.Arg69Asnfs*7) in the NF1 gene. It is expected to result in an absent or disrupted protein product. Loss-of-function variants in NF1 are known to be pathogenic (PMID: 10712197, 23913538). This variant is not present in population databases (gnomAD no frequency). This variant has not been reported in the literature in individuals affected with NF1-related conditions. Algorithms developed to predict the effect of sequence changes on RNA splicing suggest that this variant may disrupt the consensus splice site. For these reasons, this variant has been classified as Pathogenic.

Ambry Genetics
Classification: Pathogenic for Cardiovascular phenotype; Hereditary cancer-predisposing syndrome. Last evaluated: 2024-12-05. Review status: criteria provided, single submitter. Criteria: Ambry Variant Classification Scheme 2023. Collection method: clinical testing. Allele origin: germline.
Comment: The c.206_207delGA pathogenic mutation, located in coding exon 3 of the NF1 gene, results from a deletion of two nucleotides at nucleotide positions 206 to 207, causing a translational frameshift with a predicted alternate stop codon (p.R69Nfs*7). This variant is considered to be rare based on population cohorts in the Genome Aggregation Database (gnomAD). This alteration is expected to result in loss of function by premature protein truncation or nonsense-mediated mRNA decay. As such, this alteration is interpreted as a disease-causing mutation. This nucleotide region is well conserved in available vertebrate species.

Genome-Nilou Lab
Classification: Pathogenic for Neurofibromatosis, type 1. Last evaluated: 2022-03-15. Review status: criteria provided, single submitter. Criteria: ACMG Guidelines, 2015. Collection method: clinical testing. Allele origin: germline. Affected: no.

Institute of Medical Genetics and Applied Genomics, University Hospital Tübingen
Classification: Pathogenic. Last evaluated: 2020-10-23. Review status: criteria provided, single submitter. Criteria: ACMG Guidelines, 2015. Collection method: clinical testing. Allele origin: germline. Inheritance: Unknown mechanism. Affected: yes.

Literature cited by the submitters: PubMed 10712197 (cited by Labcorp Genetics (formerly Invitae), Labcorp); PubMed 23913538 (cited by Labcorp Genetics (formerly Invitae), Labcorp).